The following is an entry in ClinVar:

NM_004006.3(DMD):c.2312C>T (p.Ala771Val)

Gene: DMD (dystrophin; minus strand). Cytogenetic location: Xp21.1.
Variant type: single nucleotide variant.
Coding change: c.2312C>T on transcript NM_004006.3 (MANE Select); coding-DNA position 2312, C replaced by T.
Protein change: p.Ala771Val; replaces alanine 771 with valine.
Molecular consequence: missense variant.
Genome position (GRCh38, 1-based): chrX:32,501,823, G>A on the plus strand (C>T on the coding strand, the complement: DMD is on the minus strand). VCF-style: chrX-32501823-G-A. GRCh37 (hg19) VCF-style: chrX-32519940-G-A.
Other names: c.2288C>T, p.Ala763Val (NM_000109.4); c.2300C>T, p.Ala767Val (NM_004009.3); c.1943C>T, p.Ala648Val (NM_004010.3); short protein forms A771V, A763V, A648V, A767V.
Identifiers: ClinVar variation 947856 (VCV000947856.11), dbSNP rs1245604423, ClinGen allele CA412673690.

ClinVar aggregate classification (germline): Conflicting classifications of pathogenicity. Review status: criteria provided, conflicting classifications (1 of 4 stars). 5 submissions from 5 submitters: Uncertain significance (3); Likely benign (1). 1 of the submissions does not count toward it. Last evaluated 2025-06-10.

Conditions:
Cardiovascular phenotype. Identifiers: MedGen CN230736.
Dilated cardiomyopathy 3B (CMD3B). Also called: CMD3B: DMD-Related Dilated Cardiomyopathy; CARDIOMYOPATHY, DILATED, X-LINKED; DMD-Associated Dilated Cardiomyopathy. Identifiers: Orphanet 154, MedGen C3668940, MONDO:0010542, OMIM 302045.
Duchenne muscular dystrophy (DMD). Also called: MUSCULAR DYSTROPHY, PSEUDOHYPERTROPHIC PROGRESSIVE, DUCHENNE TYPE; Duchenne Muscular Dystrophy (DMD). Identifiers: Orphanet 98896, MedGen C0013264, MONDO:0010679, OMIM 310200.
Dystrophin deficiency.
Becker muscular dystrophy (BMD). Also called: MUSCULAR DYSTROPHY, PSEUDOHYPERTROPHIC PROGRESSIVE, BECKER TYPE; Becker Muscular Dystrophy (BMD). Identifiers: Orphanet 98895, MedGen C0917713, MONDO:0010311, OMIM 300376.
Cardiomyopathy (CMYO). Also called: Cardiomyopathies. Identifiers: Orphanet 167848, MedGen C0878544, MONDO:0004994, HP:0001638. Inheritance: Various modes of inheritance.

Allele frequency attached by ClinVar (database versions not stated): gnomAD 0.00001; gnomAD exomes 0.00001 and 0.00003; TOPMed 0.00002.
gnomAD v4.1: 35 of 1,202,661 alleles (0.0029%); highest among the groups gnomAD compares: Non-Finnish European, 0.0038%; no homozygotes.

Submissions (5):

Labcorp Genetics (formerly Invitae), Labcorp
Classification: Uncertain significance for Duchenne muscular dystrophy. Last evaluated: 2025-06-10. Review status: criteria provided, single submitter. Criteria: Invitae Variant Classification Sherloc (09022015). Collection method: clinical testing. Allele origin: germline.
Comment: This sequence change replaces alanine, which is neutral and non-polar, with valine, which is neutral and non-polar, at codon 771 of the DMD protein (p.Ala771Val). This variant is not present in population databases (gnomAD no frequency). This variant has not been reported in the literature in individuals affected with DMD-related conditions. ClinVar contains an entry for this variant (Variation ID: 947856). Invitae Evidence Modeling of protein sequence and biophysical properties (such as structural, functional, and spatial information, amino acid conservation, physicochemical variation, residue mobility, and thermodynamic stability) indicates that this missense variant is not expected to disrupt DMD protein function with a negative predictive value of 95%. In summary, the available evidence is currently insufficient to determine the role of this variant in disease. Therefore, it has been classified as a Variant of Uncertain Significance.

Ambry Genetics
Classification: Likely benign for Cardiovascular phenotype. Last evaluated: 2024-06-21. Review status: criteria provided, single submitter. Criteria: Ambry Variant Classification Scheme 2023. Collection method: clinical testing. Allele origin: germline.

Fulgent Genetics
Classification: Uncertain significance for Becker muscular dystrophy; Dilated cardiomyopathy 3B; Duchenne muscular dystrophy. Last evaluated: 2021-08-08. Review status: criteria provided, single submitter. Criteria: ACMG Guidelines, 2015. Collection method: clinical testing. Allele origin: unknown.

New York Genome Center
Classification: Uncertain significance for Dilated cardiomyopathy 3B. Last evaluated: 2021-04-16. Review status: criteria provided, single submitter. Criteria: NYGC Assertion Criteria 2020. Collection method: clinical testing. Allele origin: inherited. Observed: 1 hemizygote. Study: CSER-NYCKidSeq.

Natera, Inc.
Classification: Uncertain significance for Becker muscular dystrophy; Cardiomyopathy; Duchenne muscular dystrophy; Dystrophin deficiency. Last evaluated: 2018-07-25. Review status: no assertion criteria provided. Collection method: clinical testing. Allele origin: germline. Not counted in ClinVar's aggregate classification.